The following is an entry in ClinVar:

ClinVar aggregate classification (germline): Likely benign (0 of 4 stars; one submission).

Conditions:
ZBTB17-related disorder. Also called: ZBTB17-related condition.

Allele frequency attached by ClinVar (database versions not stated): TOPMed 0.00031; ESP Exome Variant Server 0.00038; gnomAD exomes 0.00076; 1000 Genomes Project 30x 0.00094; 1000 Genomes Project 0.00100; gnomAD 0.00137; ExAC 0.00186.
gnomAD v4.1: 1,336 of 1,613,666 alleles (0.083%); highest among the groups gnomAD compares: Non-Finnish European, 0.037%; 6 homozygotes.

Submission:

PreventionGenetics, part of Exact Sciences
Classification: Likely benign for ZBTB17-related condition. Last evaluated: 2024-01-11. Review status: no assertion criteria provided. Collection method: clinical testing. Allele origin: germline.
Comment: This variant is classified as likely benign based on ACMG/AMP sequence variant interpretation guidelines (Richards et al. 2015 PMID: 25741868, with internal and published modifications).

NM_003443.3(ZBTB17):c.2232G>A (p.Leu744=)

Genes: ZBTB17 (zinc finger and BTB domain containing 17; minus strand), LOC126805632 (CDK7 strongly-dependent group 2 enhancer GRCh37_chr1:16268619-16269818; plus strand). Cytogenetic location: 1p36.13.
Variant type: single nucleotide variant.
Coding change: c.2232G>A on transcript NM_003443.3 (MANE Select); coding-DNA position 2232, G replaced by A.
Protein change: p.Leu744=; no amino-acid change (leucine 744 retained).
Molecular consequence: synonymous variant.
Genome position (GRCh38, 1-based): chr1:15,942,149, C>T on the plus strand (G>A on the coding strand, the complement: ZBTB17 is on the minus strand). VCF-style: chr1-15942149-C-T. GRCh37 (hg19) VCF-style: chr1-16268644-C-T.
Other names: c.1986G>A, p.Leu662= (NM_001242884.2); c.2253G>A, p.Leu751= (NM_001287603.2); c.2004G>A, p.Leu668= (NM_001287604.2, NM_001324137.2); c.2043G>A, p.Leu681= (NM_001324138.2).
Identifiers: ClinVar variation 3057327 (VCV003057327.2), dbSNP rs147516539, ClinGen allele CA620935.